The following is an entry in ClinVar:

ClinVar aggregate classification (germline): Likely pathogenic (1 of 4 stars; one submission).

Conditions:
Hereditary cancer-predisposing syndrome. Also called: Neoplastic Syndromes, Hereditary; Tumor predisposition; Hereditary Cancer Syndrome; Hereditary neoplastic syndrome. Identifiers: Orphanet 140162, MedGen C0027672, MeSH D009386, MONDO:0015356.

Submission:

Ambry Genetics
Classification: Likely pathogenic for Hereditary cancer-predisposing syndrome. Last evaluated: 2026-06-09. Review status: criteria provided, single submitter. Criteria: Ambry Variant Classification Scheme 2023. Collection method: clinical testing. Allele origin: germline.
Comment: The p.L101Q variant (also known as c.302T>A), located in coding exon 1 of the VHL gene, results from a T to A substitution at nucleotide position 302. The leucine at codon 101 is replaced by glutamine, an amino acid with dissimilar properties. Based on internal structural analysis, L101Q is disruptive to the local structure and is more disruptive that other nearly pathogenic variants in this region (Ambry internal data). Two other alterations at the same codon, p.L101P and p.L101R, have been detected in multiple patients with Von Hippel-Lindau disease (VHL) (Zbar, B et al. Hum Mutat. 1996;8(4):348-57; Rocha, JC et al. J Med Genet. 2003 Mar;40(3):e31; Taylor C et al. Int. J. Oncol., 2012 Oct;41:1229-40; Kim, HJ et al. Laryngoscope. 2013 Feb;123(2):477-83). This amino acid position is well conserved in available vertebrate species. In addition, this alteration is predicted to be deleterious by in silico analysis. This variant is considered to be rare based on population cohorts in the Genome Aggregation Database (gnomAD). Based on the majority of available evidence to date, this variant is likely to be pathogenic.

NM_000551.4(VHL):c.302T>A (p.Leu101Gln)

Gene: VHL (von Hippel-Lindau tumor suppressor; plus strand). Cytogenetic location: 3p25.3.
Variant type: single nucleotide variant.
Coding change: c.302T>A on transcript NM_000551.4 (MANE Select); coding-DNA position 302, T replaced by A.
Protein change: p.Leu101Gln; replaces leucine 101 with glutamine.
Molecular consequence: missense variant.
Genome position (GRCh38, 1-based): chr3:10,142,149, T>A. VCF-style: chr3-10142149-T-A. GRCh37 (hg19) VCF-style: chr3-10183833-T-A.
Other names: c.302T>A, p.Leu101Gln (NM_001354723.2, NM_198156.3); short protein forms L101Q.
Identifiers: ClinVar variation 1799025 (VCV001799025.3), dbSNP rs1553619456, ClinGen allele CA351750997.